The following is an entry in ClinVar:

NM_170707.4(LMNA):c.1236G>A (p.Gly412=)

Gene: LMNA (lamin A/C; plus strand). Cytogenetic location: 1q22.
Variant type: single nucleotide variant.
Coding change: c.1236G>A on transcript NM_170707.4 (MANE Select); coding-DNA position 1236, G replaced by A.
Protein change: p.Gly412=; no amino-acid change (glycine 412 retained).
Molecular consequence: synonymous variant.
Genome position (GRCh38, 1-based): chr1:156,136,292, G>A. VCF-style: chr1-156136292-G-A. GRCh37 (hg19) VCF-style: chr1-156106083-G-A.
Other names: c.900G>A, p.Gly300= (NM_001257374.3); c.993G>A, p.Gly331= (NM_001282624.2); c.1236G>A, p.Gly412= (NM_001282625.2, NM_001282626.2, NM_005572.4 and 1 more transcripts).
Identifiers: ClinVar variation 1620702 (VCV001620702.8), dbSNP rs763537103, ClinGen allele CA421258013.
Genomic context (GRCh38, chr1:156,136,292, plus strand): 5'-CCCTACCTCGCAGCGCAGCCGTGGCCGTGCTTCCTCTCACTCATCCCAGACACAGGGTGG[G>A]GGCAGCGTCACCAAAAAGCGCAAACTGGAGTCCACTGAGAGCCGCAGCAGCTTCTCACAG-3'
Protein context (NP_733821.1, residues 402-422): ASSHSSQTQG[Gly412=]GSVTKKRKLE

ClinVar aggregate classification (germline): Conflicting classifications of pathogenicity. Review status: criteria provided, conflicting classifications (1 of 4 stars). 2 submissions from 2 submitters: Uncertain significance (1); Likely benign (1). Last evaluated 2025-10-13.

Conditions:
Charcot-Marie-Tooth disease type 2. Also called: Charcot-Marie-Tooth type 2. Identifiers: Orphanet 64746, MedGen C0270914, MONDO:0018993.
Cardiomyopathy (CMYO). Also called: Cardiomyopathies. Identifiers: Orphanet 167848, MedGen C0878544, MONDO:0004994, HP:0001638. Inheritance: Various modes of inheritance.

Submissions (2):

Labcorp Genetics (formerly Invitae), Labcorp
Classification: Likely benign for Charcot-Marie-Tooth disease type 2. Last evaluated: 2025-10-13. Review status: criteria provided, single submitter. Criteria: Invitae Variant Classification Sherloc (09022015). Collection method: clinical testing. Allele origin: germline.

Color Diagnostics, LLC DBA Color Health
Classification: Uncertain significance for Cardiomyopathy. Last evaluated: 2025-06-26. Review status: criteria provided, single submitter. Criteria: ACMG Guidelines, 2015. Collection method: clinical testing. Allele origin: germline.
Comment: This synonymous variant causes a nucleotide substitution but does not change the encoded amino acid at codon 412 of the LMNA protein. To our knowledge, functional studies have not been reported for this variant. This variant has not been reported in individuals affected with LMNA-related disorders in the literature. This variant has not been identified in the general population by the Genome Aggregation Database (gnomAD). The available evidence is insufficient to determine the role of this variant in disease conclusively. Therefore, this variant is classified as a Variant of Uncertain Significance.